The following is an entry in ClinVar:

ClinVar aggregate classification (germline): Likely benign (0 of 4 stars; one submission).

Conditions:
SLC34A3-related disorder. Also called: SLC34A3-related condition.

Submission:

PreventionGenetics, part of Exact Sciences
Classification: Likely benign for SLC34A3-related condition. Last evaluated: 2019-10-22. Review status: no assertion criteria provided. Collection method: clinical testing. Allele origin: germline.
Comment: This variant is classified as likely benign based on ACMG/AMP sequence variant interpretation guidelines (Richards et al. 2015 PMID: 25741868, with internal and published modifications).

NM_001177316.2(SLC34A3):c.925+28T>C

Gene: SLC34A3 (solute carrier family 34 member 3; plus strand). Cytogenetic location: 9q34.3.
Variant type: single nucleotide variant.
Coding change: c.925+28T>C on transcript NM_001177316.2 (MANE Select); 28 bases into the intron after coding-DNA position 925, T replaced by C.
Molecular consequence: intron variant.
Genome position (GRCh38, 1-based): chr9:137,233,969, T>C. VCF-style: chr9-137233969-T-C. GRCh37 (hg19) VCF-style: chr9-140128421-T-C.
Other names: c.925+28T>C (NM_001177317.2, NM_080877.3).
Identifiers: ClinVar variation 3038942 (VCV003038942.2), dbSNP rs1023959986, ClinGen allele CA201695846.